The following is an entry in ClinVar:

ClinVar aggregate classification (germline): Uncertain significance (1 of 4 stars; one submission).

Conditions:
Familial cancer of breast. Also called: hereditary breast carcinoma; BREAST CANCER, FAMILIAL; Hereditary breast cancer. Identifiers: Orphanet 227535, MedGen C0346153, MONDO:0016419, OMIM 114480. Disease mechanism: loss of function.

Submission:

Labcorp Genetics (formerly Invitae), Labcorp
Classification: Uncertain significance for Familial cancer of breast. Last evaluated: 2022-02-02. Review status: criteria provided, single submitter. Criteria: Invitae Variant Classification Sherloc (09022015). Collection method: clinical testing. Allele origin: germline.
Comment: In summary, the available evidence is currently insufficient to determine the role of this variant in disease. Therefore, it has been classified as a Variant of Uncertain Significance. Algorithms developed to predict the effect of missense changes on protein structure and function are either unavailable or do not agree on the potential impact of this missense change (SIFT: "Deleterious"; PolyPhen-2: "Possibly Damaging"; Align-GVGD: "Class C0"). This variant has not been reported in the literature in individuals affected with CHEK2-related conditions. This variant is not present in population databases (gnomAD no frequency). This sequence change replaces glutamic acid, which is acidic and polar, with glycine, which is neutral and non-polar, at codon 70 of the CHEK2 protein (p.Glu70Gly).

NM_007194.4(CHEK2):c.209A>G (p.Glu70Gly)

Gene: CHEK2 (checkpoint kinase 2; minus strand). Cytogenetic location: 22q12.1.
Variant type: single nucleotide variant.
Coding change: c.209A>G on transcript NM_007194.4 (MANE Select); coding-DNA position 209, A replaced by G.
Protein change: p.Glu70Gly; replaces glutamic acid 70 with glycine.
Molecular consequence: missense variant.
Genome position (GRCh38, 1-based): chr22:28,734,513, T>C on the plus strand (A>G on the coding strand, the complement: CHEK2 is on the minus strand). VCF-style: chr22-28734513-T-C. GRCh37 (hg19) VCF-style: chr22-29130501-T-C.
Other names: c.209A>G, p.Glu70Gly (NM_001005735.3, NM_001349956.3, NM_145862.3); c.-569A>G (NM_001257387.3); short protein forms E70G.
Identifiers: ClinVar variation 2091946 (VCV002091946.4), dbSNP rs2518130092, ClinGen allele CA411090778.